The following is an entry in ClinVar:

NM_003200.5(TCF3):c.1430G>A (p.Arg477Gln)

Gene: TCF3 (transcription factor 3; minus strand). Cytogenetic location: 19p13.3.
Variant type: single nucleotide variant.
Coding change: c.1430G>A on transcript NM_003200.5 (MANE Select); coding-DNA position 1430, G replaced by A.
Protein change: p.Arg477Gln; replaces arginine 477 with glutamine.
Molecular consequence: missense variant.
Genome position (GRCh38, 1-based): chr19:1,619,131, C>T on the plus strand (G>A on the coding strand, the complement: TCF3 is on the minus strand). VCF-style: chr19-1619131-C-T. GRCh37 (hg19) VCF-style: chr19-1619130-C-T.
Other names: c.1430G>A, p.Arg477Gln (NM_001136139.4, NM_001351779.2); c.1427G>A, p.Arg476Gln (NM_001351778.2); short protein forms R476Q, R477Q.
Identifiers: ClinVar variation 1432193 (VCV001432193.10), dbSNP rs199957863, ClinGen allele CA9049860.
Genomic context (GRCh38, chr19:1,619,131, plus strand): 5'-TGGAACCAGGAGTCGGACAGTCCCAAGCTCAAGGGCTTACCACTGTAGGAGTCGGGAGGC[C>T]GAGACAGGTCAGGGAGGGTGCCTGGCTGGCTGGGGAGGGCCGCGTGGTTGTGCATGAGGC-3'
Protein context (NP_003191.1, residues 467-487): SQPGTLPDLS[Arg477Gln]PPDSYSGLGR

ClinVar aggregate classification (germline): Conflicting classifications of pathogenicity. Review status: criteria provided, conflicting classifications (1 of 4 stars). 5 submissions from 5 submitters: Uncertain significance (4); Likely benign (1). Last evaluated 2026-01-24.

Conditions:
Agammaglobulinemia 8b, autosomal recessive. Also called: AGAMMAGLOBULINEMIA, AUTOSOMAL RECESSIVE, DUE TO TCF3 DEFECT. Identifiers: MedGen C5676958, MONDO:0859234, OMIM 619824.
Agammaglobulinemia 8, autosomal dominant (AGM8A). Also called: AGAMMAGLOBULINEMIA, AUTOSOMAL DOMINANT, DUE TO TCF3 DEFECT; AGAMMAGLOBULINEMIA 8A, AUTOSOMAL DOMINANT. Identifiers: MedGen C4310786, MONDO:0014840, OMIM 616941.

Allele frequency attached by ClinVar (database versions not stated): TOPMed 0.00011; gnomAD 0.00012; gnomAD exomes 0.00013 and 0.00017; 1000 Genomes Project 30x 0.00016; 1000 Genomes Project 0.00020; ExAC 0.00022; ESP Exome Variant Server 0.00023.
gnomAD v4.1: 264 of 1,599,728 alleles (0.017%); highest among the groups gnomAD compares: Non-Finnish European, 0.021%; no homozygotes.

Submissions (5):

Labcorp Genetics (formerly Invitae), Labcorp
Classification: Uncertain significance. Last evaluated: 2026-01-24. Review status: criteria provided, single submitter. Criteria: Invitae Variant Classification Sherloc (09022015). Collection method: clinical testing. Allele origin: germline.
Comment: This sequence change replaces arginine, which is basic and polar, with glutamine, which is neutral and polar, at codon 477 of the TCF3 protein (p.Arg477Gln). This variant is present in population databases (rs199957863, gnomAD 0.03%). This variant has not been reported in the literature in individuals affected with TCF3-related conditions. ClinVar contains an entry for this variant (Variation ID: 1432193). Invitae Evidence Modeling of protein sequence and biophysical properties (such as structural, functional, and spatial information, amino acid conservation, physicochemical variation, residue mobility, and thermodynamic stability) indicates that this missense variant is not expected to disrupt TCF3 protein function with a negative predictive value of 80%. In summary, the available evidence is currently insufficient to determine the role of this variant in disease. Therefore, it has been classified as a Variant of Uncertain Significance.

Revvity Omics, Revvity
Classification: Uncertain significance. Last evaluated: 2024-12-16. Review status: criteria provided, single submitter. Criteria: ACMG Guidelines, 2015. Collection method: clinical testing. Allele origin: germline.

Blueprint Genetics
Classification: Likely benign. Last evaluated: 2024-10-28. Review status: criteria provided, single submitter. Criteria: ACMG Guidelines, 2015. Collection method: clinical testing. Allele origin: germline.

Department of Pathology and Laboratory Medicine, Sinai Health System
Classification: Uncertain significance for Agammaglobulinemia 8, autosomal dominant; Agammaglobulinemia 8b, autosomal recessive. Last evaluated: 2022-11-01. Review status: criteria provided, single submitter. Criteria: ACMG Guidelines, 2015. Collection method: research. Allele origin: germline.

Fulgent Genetics
Classification: Uncertain significance for Agammaglobulinemia 8, autosomal dominant; Agammaglobulinemia 8b, autosomal recessive. Last evaluated: 2022-04-15. Review status: criteria provided, single submitter. Criteria: ACMG Guidelines, 2015. Collection method: clinical testing. Allele origin: unknown.